The following is an entry in ClinVar:

NM_032444.4(SLX4):c.3988C>T (p.Pro1330Ser)

Gene: SLX4 (SLX4 structure-specific endonuclease subunit; minus strand). Cytogenetic location: 16p13.3.
Variant type: single nucleotide variant.
Coding change: c.3988C>T on transcript NM_032444.4 (MANE Select); coding-DNA position 3988, C replaced by T.
Protein change: p.Pro1330Ser; replaces proline 1330 with serine.
Molecular consequence: missense variant.
Genome position (GRCh38, 1-based): chr16:3,589,650, G>A on the plus strand (C>T on the coding strand, the complement: SLX4 is on the minus strand). VCF-style: chr16-3589650-G-A. GRCh37 (hg19) VCF-style: chr16-3639651-G-A.
Other names: short protein forms P1330S.
Identifiers: ClinVar variation 3626043 (VCV003626043.2).

ClinVar aggregate classification (germline): Uncertain significance (1 of 4 stars; one submission).

Conditions:
Fanconi anemia (FA). Also called: Fanconi's anemia. Identifiers: Orphanet 84, MedGen C0015625, MeSH D005199, MONDO:0019391.

Submission:

Labcorp Genetics (formerly Invitae), Labcorp
Classification: Uncertain significance for Fanconi anemia. Last evaluated: 2024-03-01. Review status: criteria provided, single submitter. Criteria: Invitae Variant Classification Sherloc (09022015). Collection method: clinical testing. Allele origin: germline.
Comment: This sequence change replaces proline, which is neutral and non-polar, with serine, which is neutral and polar, at codon 1330 of the SLX4 protein (p.Pro1330Ser). This variant is not present in population databases (gnomAD no frequency). This variant has not been reported in the literature in individuals affected with SLX4-related conditions. Algorithms developed to predict the effect of missense changes on protein structure and function output the following: SIFT: "Not Available"; PolyPhen-2: "Benign"; Align-GVGD: "Not Available". The serine amino acid residue is found in multiple mammalian species, which suggests that this missense change does not adversely affect protein function. In summary, the available evidence is currently insufficient to determine the role of this variant in disease. Therefore, it has been classified as a Variant of Uncertain Significance.